The following is an entry in ClinVar:

ClinVar aggregate classification (germline): Uncertain significance (1 of 4 stars; one submission).

Conditions:
Primary ciliary dyskinesia 28. Also called: CILIARY DYSKINESIA, PRIMARY, 28, WITH OR WITHOUT SITUS INVERSUS. Identifiers: Orphanet 244, MedGen C3809706, MONDO:0014216, OMIM 615505.

gnomAD v4.1: 1 of 1,384,000 alleles (0.000072%); highest among the groups gnomAD compares: Admixed American, 0.0032%; no homozygotes.

Submission:

Labcorp Genetics (formerly Invitae), Labcorp
Classification: Uncertain significance for Primary ciliary dyskinesia 28. Last evaluated: 2025-01-27. Review status: criteria provided, single submitter. Criteria: Invitae Variant Classification Sherloc (09022015). Collection method: clinical testing. Allele origin: germline.
Comment: This sequence change replaces glutamic acid, which is acidic and polar, with alanine, which is neutral and non-polar, at codon 411 of the SPAG1 protein (p.Glu411Ala). This variant is not present in population databases (gnomAD no frequency). This variant has not been reported in the literature in individuals affected with SPAG1-related conditions. Invitae Evidence Modeling of protein sequence and biophysical properties (such as structural, functional, and spatial information, amino acid conservation, physicochemical variation, residue mobility, and thermodynamic stability) indicates that this missense variant is not expected to disrupt SPAG1 protein function with a negative predictive value of 80%. In summary, the available evidence is currently insufficient to determine the role of this variant in disease. Therefore, it has been classified as a Variant of Uncertain Significance.

NM_003114.5(SPAG1):c.1232A>C (p.Glu411Ala)

Genes: SPAG1 (sperm associated antigen 1; plus strand), LOC130000832 (ATAC-STARR-seq lymphoblastoid silent region 19412; plus strand). Cytogenetic location: 8q22.2.
Variant type: single nucleotide variant.
Coding change: c.1232A>C on transcript NM_003114.5 (MANE Select); coding-DNA position 1232, A replaced by C.
Protein change: p.Glu411Ala; replaces glutamic acid 411 with alanine.
Molecular consequence: missense variant.
Genome position (GRCh38, 1-based): chr8:100,213,225, A>C. VCF-style: chr8-100213225-A-C. GRCh37 (hg19) VCF-style: chr8-101225453-A-C.
Other names: c.1232A>C, p.Glu411Ala (NM_001374321.1, NM_172218.3); short protein forms E411A.
Identifiers: ClinVar variation 3616824 (VCV003616824.2).